The following is an entry in ClinVar:

ClinVar aggregate classification (germline): Uncertain significance (1 of 4 stars; one submission).

Allele frequency attached by ClinVar (database versions not stated): gnomAD exomes below 0.00001; TOPMed 0.00001; gnomAD 0.00001.
gnomAD v4.1: 5 of 1,613,642 alleles (0.00031%); highest among the groups gnomAD compares: Non-Finnish European, 0.00042%; no homozygotes.

Submission:

Ambry Genetics
Classification: Uncertain significance. Last evaluated: 2025-11-02. Review status: criteria provided, single submitter. Criteria: Ambry Variant Classification Scheme 2023. Collection method: clinical testing. Allele origin: germline.
Comment: The p.S935N variant (also known as c.2804G>A), located in coding exon 25 of the KIF1B gene, results from a G to A substitution at nucleotide position 2804. The serine at codon 935 is replaced by asparagine, an amino acid with highly similar properties. This amino acid position is highly conserved in available vertebrate species. In addition, the in silico prediction for this alteration is inconclusive. Since supporting evidence is limited at this time, the clinical significance of this alteration remains unclear.

NM_001365951.3(KIF1B):c.2942G>A (p.Ser981Asn)

Gene: KIF1B (kinesin family member 1B; plus strand). Cytogenetic location: 1p36.22.
Variant type: single nucleotide variant.
Coding change: c.2942G>A on transcript NM_001365951.3 (MANE Select); coding-DNA position 2942, G replaced by A.
Protein change: p.Ser981Asn; replaces serine 981 with asparagine.
Molecular consequence: missense variant.
Genome position (GRCh38, 1-based): chr1:10,334,537, G>A. VCF-style: chr1-10334537-G-A. GRCh37 (hg19) VCF-style: chr1-10394595-G-A.
Other names: c.2942G>A, p.Ser981Asn (NM_001365952.1); c.2804G>A, p.Ser935Asn (NM_015074.3); short protein forms S981N, S935N.
Identifiers: ClinVar variation 1796250 (VCV001796250.4), dbSNP rs1485393520, ClinGen allele CA338338595.